The following is an entry in ClinVar:

NM_206933.4(USH2A):c.11194C>T (p.Gln3732Ter)

Gene: USH2A (usherin; minus strand). Cytogenetic location: 1q41.
Variant type: single nucleotide variant.
Coding change: c.11194C>T on transcript NM_206933.4 (MANE Select); coding-DNA position 11194, C replaced by T.
Protein change: p.Gln3732Ter; replaces glutamine 3732 with a stop codon.
Molecular consequence: nonsense.
Genome position (GRCh38, 1-based): chr1:215,759,697, G>A on the plus strand (C>T on the coding strand, the complement: USH2A is on the minus strand). VCF-style: chr1-215759697-G-A. GRCh37 (hg19) VCF-style: chr1-215933039-G-A.
Other names: c.11194C>T (NM_206933.2); short protein forms Q3732*.
Identifiers: ClinVar variation 2734078 (VCV002734078.4), dbSNP rs2465090776, ClinGen allele CA344822581.
Genomic context (GRCh38, chr1:215,759,697, plus strand): 5'-GGTAAAGTTTTCTTTTAGTTTACCTGCTATTGGGCTCCAGGTTTTTATCAGTGAAATTCT[G>A]CTCCTCACTGCCACCCAGGAAAAGCAAGTTTCCATTACGACTCAATTGATATTGAGAAAC-3'

ClinVar aggregate classification (germline): Pathogenic. Review status: criteria provided, multiple submitters, no conflicts (2 of 4 stars). 2 submissions from 2 submitters: Pathogenic (2). Last evaluated 2026-01-03.

Conditions:
Usher syndrome type 2A. Also called: RETINAL DISEASE IN USHER SYNDROME TYPE IIA, MODIFIER OF; USHER SYNDROME, TYPE IIA. Identifiers: Orphanet 231178, Orphanet 886, MedGen C1848634, MONDO:0010169, OMIM 276901.

Submissions (2):

Labcorp Genetics (formerly Invitae), Labcorp
Classification: Pathogenic. Last evaluated: 2026-01-03. Review status: criteria provided, single submitter. Criteria: Invitae Variant Classification Sherloc (09022015). Collection method: clinical testing. Allele origin: germline.
Comment: This sequence change creates a premature translational stop signal (p.Gln3732*) in the USH2A gene. It is expected to result in an absent or disrupted protein product. Loss-of-function variants in USH2A are known to be pathogenic (PMID: 10729113, 10909849, 20507924, 25649381). This variant is not present in population databases (gnomAD no frequency). This premature translational stop signal has been observed in individual(s) with clinical features of Usher syndrome (PMID: 25558175). ClinVar contains an entry for this variant (Variation ID: 2734078). Algorithms developed to predict the effect of sequence changes on RNA splicing suggest that this variant may disrupt the consensus splice site. For these reasons, this variant has been classified as Pathogenic.

Natera, Inc.
Classification: Pathogenic for Usher syndrome type 2A. Last evaluated: 2024-06-27. Review status: criteria provided, single submitter. Criteria: Natera Variant Classification Schema (03/2026). Collection method: clinical testing. Allele origin: germline.
Comment: The c.11194C>T variant in USH2A is a nonsense variant predicted to introduce a stop codon at amino acid 3732. This variant is expected to result in nonsense mediated decay, truncation, or a dysfunctional protein product. This variant is rare in the general population with a frequency below the threshold expected for the associated phenotype(s). This variant has been observed in one or more individuals affected with the associated recessive disease, as either homozygous or compound heterozygous with a second variant (PMID: 25558175). Given the available evidence, this variant is classified as Pathogenic.

Literature cited by the submitters: PubMed 10729113 (cited by Labcorp Genetics (formerly Invitae), Labcorp); PubMed 10909849 (cited by Labcorp Genetics (formerly Invitae), Labcorp); PubMed 20507924 (cited by Labcorp Genetics (formerly Invitae), Labcorp); PubMed 25649381 (cited by Labcorp Genetics (formerly Invitae), Labcorp); PubMed 25558175 (cited by Labcorp Genetics (formerly Invitae), Labcorp and Natera, Inc.).